The following is an entry in ClinVar:

ClinVar aggregate classification (germline): Conflicting classifications of pathogenicity. Review status: criteria provided, conflicting classifications (1 of 4 stars). 2 submissions from 2 submitters: Uncertain significance (1); Likely benign (1). Last evaluated 2021-11-15.

Allele frequency attached by ClinVar (database versions not stated): gnomAD 0.00001 and 0.00002; TOPMed 0.00001; ESP Exome Variant Server 0.00008; 1000 Genomes Project 30x 0.00031.
gnomAD v4.1: 10 of 1,614,142 alleles (0.00062%); highest among the groups gnomAD compares: East Asian, 0.0022%; no homozygotes.

Submissions (2):

Labcorp Genetics (formerly Invitae), Labcorp
Classification: Uncertain significance. Last evaluated: 2021-11-15. Review status: criteria provided, single submitter. Criteria: Invitae Variant Classification Sherloc (09022015). Collection method: clinical testing. Allele origin: germline.
Comment: This variant has not been reported in the literature in individuals affected with GALNT12-related conditions. This sequence change replaces arginine, which is basic and polar, with histidine, which is basic and polar, at codon 579 of the GALNT12 protein (p.Arg579His). This variant is present in population databases (rs367620732, gnomAD 0.0009%). ClinVar contains an entry for this variant (Variation ID: 485638). Algorithms developed to predict the effect of missense changes on protein structure and function output the following: SIFT: "Tolerated"; PolyPhen-2: "Benign"; Align-GVGD: "Class C0". The histidine amino acid residue is found in multiple mammalian species, which suggests that this missense change does not adversely affect protein function. In summary, the available evidence is currently insufficient to determine the role of this variant in disease. Therefore, it has been classified as a Variant of Uncertain Significance.

Ambry Genetics
Classification: Likely benign. Last evaluated: 2017-09-07. Review status: criteria provided, single submitter. Criteria: Ambry Variant Classification Scheme 2023. Collection method: clinical testing. Allele origin: germline.

NM_024642.5(GALNT12):c.1736G>A (p.Arg579His)

Gene: GALNT12 (polypeptide N-acetylgalactosaminyltransferase 12; plus strand). Cytogenetic location: 9q22.33.
Variant type: single nucleotide variant.
Coding change: c.1736G>A on transcript NM_024642.5 (MANE Select); coding-DNA position 1736, G replaced by A.
Protein change: p.Arg579His; replaces arginine 579 with histidine.
Molecular consequence: missense variant.
Genome position (GRCh38, 1-based): chr9:98,849,082, G>A. VCF-style: chr9-98849082-G-A. GRCh37 (hg19) VCF-style: chr9-101611364-G-A.
Other names: short protein forms R579H.
Identifiers: ClinVar variation 485638 (VCV000485638.11), dbSNP rs367620732, ClinGen allele CA5154357.